The following is an entry in ClinVar:

ClinVar aggregate classification (germline): Conflicting classifications of pathogenicity. Review status: criteria provided, conflicting classifications (1 of 4 stars). 5 submissions from 5 submitters: Uncertain significance (2); Likely benign (3). Last evaluated 2026-08-07.

Conditions:
Hypertrophic cardiomyopathy 26. Also called: Cardiomyopathy, familial hypertrophic, 26. Identifiers: Orphanet 75249, MedGen C4310749, MONDO:0014883, OMIM 617047.
Distal myopathy with posterior leg and anterior hand involvement. Also called: WILLIAMS DISTAL MYOPATHY. Identifiers: Orphanet 63273, MedGen C3279722, MONDO:0013550, OMIM 614065.
Myofibrillar myopathy 5. Also called: Filaminopathy (type); FILAMINOPATHY, AUTOSOMAL DOMINANT. Identifiers: Orphanet 171445, MedGen C1836050, MONDO:0012289, OMIM 609524.
FLNC-related disorder. Also called: FLNC-related condition; FLNC-related disorders.
Cardiovascular phenotype. Identifiers: MedGen CN230736.

Allele frequency attached by ClinVar (database versions not stated): gnomAD exomes 0.00001 and 0.00002; ExAC 0.00002; ESP Exome Variant Server 0.00008; gnomAD 0.00013 and 0.00014; TOPMed 0.00014; 1000 Genomes Project 30x 0.00016; 1000 Genomes Project 0.00020.
gnomAD v4.1: 36 of 1,614,130 alleles (0.0022%); highest among the groups gnomAD compares: African/African-American, 0.039%; no homozygotes.

Submissions (5):

PreventionGenetics, part of Exact Sciences
Classification: Uncertain significance for FLNC-related condition. Last evaluated: 2026-08-07. Review status: criteria provided, single submitter. Criteria: ACMG Guidelines, 2015. Collection method: clinical testing. Allele origin: germline.
Comment: The FLNC c.4334A>G variant is predicted to result in the amino acid substitution p.Lys1445Arg. This variant has been reported in an individual with dilated cardiomyopathy (Table S4, Smith et al. 2022. PubMed ID: 35470680) and has also been observed in a pediatric cardiomyopathy cohort (Supplemental Material, Ware et al. 2022. PubMed ID: 35026164). This variant is reported in 0.033% of alleles in individuals of African descent in gnomAD. Although we suspect that this variant may be benign, at this time, the clinical significance of this variant is uncertain due to the absence of conclusive functional and genetic evidence.

Labcorp Genetics (formerly Invitae), Labcorp
Classification: Likely benign for Distal myopathy with posterior leg and anterior hand involvement; Myofibrillar myopathy 5; Hypertrophic cardiomyopathy 26. Last evaluated: 2025-11-20. Review status: criteria provided, single submitter. Criteria: Invitae Variant Classification Sherloc (09022015). Collection method: clinical testing. Allele origin: germline.

Revvity Omics, Revvity
Classification: Uncertain significance. Last evaluated: 2024-03-06. Review status: criteria provided, single submitter. Criteria: ACMG Guidelines, 2015. Collection method: clinical testing. Allele origin: germline.

Ambry Genetics
Classification: Likely benign for Cardiovascular phenotype. Last evaluated: 2023-03-01. Review status: criteria provided, single submitter. Criteria: Ambry Variant Classification Scheme 2023. Collection method: clinical testing. Allele origin: germline.

GeneDx
Classification: Likely benign. Last evaluated: 2020-12-03. Review status: criteria provided, single submitter. Criteria: GeneDx Variant Classification Process June 2021. Collection method: clinical testing. Allele origin: germline. Affected: yes.
Comment: Has not been previously published as pathogenic or benign to our knowledge; In silico analysis, which includes protein predictors and evolutionary conservation, supports that this variant does not alter protein structure/function

Literature cited by the submitters: PubMed 35026164 (cited by Ambry Genetics); PubMed 35470680 (cited by Ambry Genetics).

NM_001458.5(FLNC):c.4334A>G (p.Lys1445Arg)

Gene: FLNC (filamin C; plus strand). Cytogenetic location: 7q32.1.
Variant type: single nucleotide variant.
Coding change: c.4334A>G on transcript NM_001458.5 (MANE Select); coding-DNA position 4334, A replaced by G.
Protein change: p.Lys1445Arg; replaces lysine 1445 with arginine.
Molecular consequence: missense variant.
Genome position (GRCh38, 1-based): chr7:128,847,742, A>G. VCF-style: chr7-128847742-A-G. GRCh37 (hg19) VCF-style: chr7-128487796-A-G.
Other names: c.4334A>G, p.Lys1445Arg (NM_001127487.2); short protein forms K1445R.
Identifiers: ClinVar variation 574655 (VCV000574655.15), dbSNP rs371591881, ClinGen allele CA4475315.